The following is an entry in ClinVar:

ClinVar aggregate classification (germline): Uncertain significance. Review status: criteria provided, multiple submitters, no conflicts (2 of 4 stars). 2 submissions from 2 submitters: Uncertain significance (2). Last evaluated 2025-12-05.

Conditions:
TUB-related disorder. Also called: TUB-related condition.

Submissions (2):

PreventionGenetics, part of Exact Sciences
Classification: Uncertain significance for TUB-related condition. Last evaluated: 2025-12-05. Review status: criteria provided, single submitter. Criteria: ACMG Guidelines, 2015. Collection method: clinical testing. Allele origin: germline.
Comment: The TUB c.1381G>A variant is predicted to result in the amino acid substitution p.Glu461Lys. To our knowledge, this variant has not been reported in the literature or in a large population database (gnomAD), indicating this variant is rare. At this time, the clinical significance of this variant is uncertain due to the absence of conclusive functional and genetic evidence.

Labcorp Genetics (formerly Invitae), Labcorp
Classification: Uncertain significance. Last evaluated: 2022-11-03. Review status: criteria provided, single submitter. Criteria: Invitae Variant Classification Sherloc (09022015). Collection method: clinical testing. Allele origin: germline.
Comment: In summary, the available evidence is currently insufficient to determine the role of this variant in disease. Therefore, it has been classified as a Variant of Uncertain Significance. Algorithms developed to predict the effect of sequence changes on RNA splicing suggest that this variant may disrupt the consensus splice site. Algorithms developed to predict the effect of missense changes on protein structure and function are either unavailable or do not agree on the potential impact of this missense change (SIFT: "Tolerated"; PolyPhen-2: "Possibly Damaging"; Align-GVGD: "Class C0"). ClinVar contains an entry for this variant (Variation ID: 1443831). This variant has not been reported in the literature in individuals affected with TUB-related conditions. This variant is not present in population databases (gnomAD no frequency). This sequence change replaces glutamic acid, which is acidic and polar, with lysine, which is basic and polar, at codon 461 of the TUB protein (p.Glu461Lys).

NM_177972.3(TUB):c.1216G>A (p.Glu406Lys)

Genes: RIC3 (RIC3 acetylcholine receptor chaperone; minus strand), TUB (TUB bipartite transcription factor; plus strand). Cytogenetic location: 11p15.4.
Variant type: single nucleotide variant.
Coding change: c.1216G>A on transcript NM_177972.3 (MANE Select); coding-DNA position 1216, G replaced by A.
Protein change: p.Glu406Lys; replaces glutamic acid 406 with lysine.
Molecular consequence: missense variant.
Genome position (GRCh38, 1-based): chr11:8,100,826, G>A. VCF-style: chr11-8100826-G-A. GRCh37 (hg19) VCF-style: chr11-8122373-G-A.
Other names: c.1381G>A (NM_003320.4); c.1381G>A, p.Glu461Lys (NM_003320.5); short protein forms E406K, E461K.
Identifiers: ClinVar variation 1443831 (VCV001443831.9), dbSNP rs1944261102, ClinGen allele CA379571667.